The following is an entry in ClinVar:

NM_145064.3(STAC3):c.440G>A (p.Gly147Asp)

Gene: STAC3 (SH3 and cysteine rich domain 3; minus strand). Cytogenetic location: 12q13.3.
Variant type: single nucleotide variant.
Coding change: c.440G>A on transcript NM_145064.3 (MANE Select); coding-DNA position 440, G replaced by A.
Protein change: p.Gly147Asp; replaces glycine 147 with aspartic acid.
Molecular consequence: missense variant. On other transcripts: 5 prime UTR variant (1), non-coding transcript variant (1).
Genome position (GRCh38, 1-based): chr12:57,248,191, C>T on the plus strand (G>A on the coding strand, the complement: STAC3 is on the minus strand). VCF-style: chr12-57248191-C-T. GRCh37 (hg19) VCF-style: chr12-57641974-C-T.
Other names: c.323G>A, p.Gly108Asp (NM_001286256.2); c.-119G>A (NM_001286257.2); short protein forms G108D, G147D.
Identifiers: ClinVar variation 841235 (VCV000841235.11), dbSNP rs1280812031, ClinGen allele CA385415534.

ClinVar aggregate classification (germline): Uncertain significance. Review status: criteria provided, multiple submitters, no conflicts (2 of 4 stars). 2 submissions from 2 submitters: Uncertain significance (2). Last evaluated 2024-10-16.

Conditions:
Bailey-Bloch congenital myopathy (CMYO13). Also called: Congenital myopathy 13; Native American myopathy; STAC3 disorder. Identifiers: Orphanet 168572, MedGen C1850625, MONDO:0009722, OMIM 255995.

Allele frequency attached by ClinVar (database versions not stated): gnomAD exomes below 0.00001; TOPMed 0.00001.

Submissions (2):

Women's Health and Genetics/Laboratory Corporation of America, LabCorp
Classification: Uncertain significance. Last evaluated: 2024-10-16. Review status: criteria provided, single submitter. Criteria: LabCorp Variant Classification Summary - May 2015. Collection method: clinical testing. Allele origin: germline.
Comment: Variant summary: STAC3 c.440G>A (p.Gly147Asp) results in a non-conservative amino acid change in the encoded protein sequence. Five of five in-silico tools predict a damaging effect of the variant on protein function. The variant allele was found at a frequency of 4e-06 in 251484 control chromosomes. The available data on variant occurrences in the general population are insufficient to allow any conclusion about variant significance. To our knowledge, no occurrence of c.440G>A in individuals affected with Bailey-Bloch congenital myopathy and no experimental evidence demonstrating its impact on protein function have been reported. ClinVar contains an entry for this variant (Variation ID: 841235). Based on the evidence outlined above, the variant was classified as uncertain significance.

Labcorp Genetics (formerly Invitae), Labcorp
Classification: Uncertain significance for Bailey-Bloch congenital myopathy. Last evaluated: 2022-07-19. Review status: criteria provided, single submitter. Criteria: Invitae Variant Classification Sherloc (09022015). Collection method: clinical testing. Allele origin: germline.
Comment: This variant has not been reported in the literature in individuals affected with STAC3-related conditions. This sequence change replaces glycine, which is neutral and non-polar, with aspartic acid, which is acidic and polar, at codon 147 of the STAC3 protein (p.Gly147Asp). This variant is present in population databases (no rsID available, gnomAD 0.003%). ClinVar contains an entry for this variant (Variation ID: 841235). Algorithms developed to predict the effect of missense changes on protein structure and function are either unavailable or do not agree on the potential impact of this missense change (SIFT: "Deleterious"; PolyPhen-2: "Probably Damaging"; Align-GVGD: "Class C0"). In summary, the available evidence is currently insufficient to determine the role of this variant in disease. Therefore, it has been classified as a Variant of Uncertain Significance.